The following is an entry in ClinVar:

NM_032383.5(HPS3):c.950_951del (p.Leu317fs)

Gene: HPS3 (HPS3 biogenesis of lysosomal organelles complex 2 subunit 1; plus strand). Cytogenetic location: 3q24.
Variant type: Deletion.
Coding change: c.950_951del on transcript NM_032383.5 (MANE Select); coding-DNA positions 950 to 951, 2 bases deleted (TG; older notation c.950_951delTG).
Protein change: p.Leu317fs; shifts the reading frame from leucine 317.
Molecular consequence: frameshift variant.
Genome position (GRCh38, 1-based): chr3:149,141,360-149,141,361, TG deleted. VCF-style (leftmost placement, unchanged base first): chr3-149141359-CTG-C. GRCh37 (hg19) VCF-style: chr3-148859146-CTG-C.
Other names: c.455_456del, p.Leu152fs (NM_001308258.2); short protein forms L152fs, L317fs.
Identifiers: ClinVar variation 1726096 (VCV001726096.2), dbSNP rs2473073701, ClinGen allele CA2580068920.
Genomic context (GRCh38, chr3:149,141,359, plus strand): 5'-TTTGCTCCTGATATTTCGTCCTATGTCTTGTCTGATGACATCAAGCTACATTCCCTCCAG[CTG>C]CTACCCATTTACCAGACCGGTAAGCATGACAGTGCAGGAGTGCGACAGTGCAGCAAGGTG-3'

ClinVar aggregate classification (germline): Likely pathogenic (1 of 4 stars; one submission).

Conditions:
Hermansky-Pudlak syndrome 3 (HPS3). Identifiers: Orphanet 231512, Orphanet 79430, MedGen C3888001, MONDO:0013555, OMIM 614072.

Submission:

Myriad Genetics, Inc.
Classification: Likely pathogenic for Hermansky-Pudlak syndrome 3. Last evaluated: 2022-05-18. Review status: criteria provided, single submitter. Criteria: Myriad Women's Health Autosomal Recessive and X-Linked Classification Criteria (2021). Collection method: clinical testing. Allele origin: unknown.
Comment: NM_032383.3(HPS3):c.950_951delTG(L317Pfs*12) is expected to be pathogenic in the context of Hermansky-Pudlak syndrome type 3. This variant is predicted to lead to an abnormal or absent protein product due to the creation of a premature termination codon in HPS3, a gene where loss-of-function variants are known to be pathogenic. Please note: this variant was assessed in the context of healthy population screening.